The following is an entry in ClinVar:

NM_000257.4(MYH7):c.1887G>A (p.Ala629=)

Gene: MYH7 (myosin heavy chain 7; minus strand). Cytogenetic location: 14q11.2.
Variant type: single nucleotide variant.
Coding change: c.1887G>A on transcript NM_000257.4 (MANE Select); coding-DNA position 1887, G replaced by A.
Protein change: p.Ala629=; no amino-acid change (alanine 629 retained).
Molecular consequence: synonymous variant.
Genome position (GRCh38, 1-based): chr14:23,427,586, C>T on the plus strand (G>A on the coding strand, the complement: MYH7 is on the minus strand). VCF-style: chr14-23427586-C-T. GRCh37 (hg19) VCF-style: chr14-23896795-C-T.
Identifiers: ClinVar variation 188611 (VCV000188611.15), dbSNP rs376572023, ClinGen allele CA011379.

ClinVar aggregate classification (germline): Conflicting classifications of pathogenicity. Review status: criteria provided, conflicting classifications (1 of 4 stars). 6 submissions from 6 submitters: Uncertain significance (1); Benign (1); Likely benign (3). 1 of the submissions does not count toward it. Last evaluated 2026-09-21.

Conditions:
MYH7-related disorder. Also called: MYH7-related condition; MYH7-related disease; MYH7-related disorders.
Cardiovascular phenotype. Identifiers: MedGen CN230736.
Cardiomyopathy (CMYO). Also called: Cardiomyopathies. Identifiers: Orphanet 167848, MedGen C0878544, MONDO:0004994, HP:0001638. Inheritance: Various modes of inheritance.
Hypertrophic cardiomyopathy. Also called: HYPERTROPHIC MYOCARDIOPATHY. Identifiers: Orphanet 217569, MedGen C0007194, MeSH D002312, MONDO:0005045, HP:0001639.

Allele frequency attached by ClinVar (database versions not stated): TOPMed 0.00010; ESP Exome Variant Server 0.00008; gnomAD 0.00010.
gnomAD v4.1: 59 of 1,613,930 alleles (0.0037%); highest among the groups gnomAD compares: East Asian, 0.02%; no homozygotes.

Submissions (6):

Molecular Diagnostic Laboratory for Inherited Cardiovascular Disease, Montreal Heart Institute
Classification: Likely benign. Last evaluated: 2026-09-21. Review status: criteria provided, single submitter. Criteria: ACMG Guidelines, 2015. Collection method: clinical testing. Allele origin: germline. Affected: no.
Comment: BP7

Labcorp Genetics (formerly Invitae), Labcorp
Classification: Uncertain significance for Hypertrophic cardiomyopathy. Last evaluated: 2025-11-22. Review status: criteria provided, single submitter. Criteria: Invitae Variant Classification Sherloc (09022015). Collection method: clinical testing. Allele origin: germline.
Comment: This sequence change affects codon 629 of the MYH7 mRNA. It is a 'silent' change, meaning that it does not change the encoded amino acid sequence of the MYH7 protein. It affects a nucleotide within the consensus splice site. This variant is present in population databases (rs376572023, gnomAD 0.02%). This variant has not been reported in the literature in individuals affected with MYH7-related conditions. ClinVar contains an entry for this variant (Variation ID: 188611). Algorithms developed to predict the effect of sequence changes on RNA splicing suggest that this variant is not likely to affect RNA splicing. In summary, the available evidence is currently insufficient to determine the role of this variant in disease. Therefore, it has been classified as a Variant of Uncertain Significance.

Ambry Genetics
Classification: Likely benign for Cardiovascular phenotype. Last evaluated: 2020-01-23. Review status: criteria provided, single submitter. Criteria: Ambry Variant Classification Scheme 2023. Collection method: clinical testing. Allele origin: germline.

Color Diagnostics, LLC DBA Color Health
Classification: Likely benign for Cardiomyopathy. Last evaluated: 2018-12-04. Review status: criteria provided, single submitter. Criteria: ACMG Guidelines, 2015. Collection method: clinical testing. Allele origin: germline.

GeneDx
Classification: Benign. Last evaluated: 2015-03-03. Review status: criteria provided, single submitter. Criteria: GeneDx Variant Classification Process June 2021. Collection method: clinical testing. Allele origin: germline. Affected: yes.

PreventionGenetics, part of Exact Sciences
Classification: Likely benign for MYH7-related condition. Last evaluated: 2024-05-01. Review status: no assertion criteria provided. Collection method: clinical testing. Allele origin: germline. Not counted in ClinVar's aggregate classification.
Comment: This variant is classified as likely benign based on ACMG/AMP sequence variant interpretation guidelines (Richards et al. 2015 PMID: 25741868, with internal and published modifications).